The following is an entry in ClinVar:

ClinVar aggregate classification (germline): Conflicting classifications of pathogenicity. Review status: criteria provided, conflicting classifications (1 of 4 stars). 3 submissions from 3 submitters: Uncertain significance (1); Likely benign (1). 1 of the submissions does not count toward it. Last evaluated 2021-09-01.

Conditions:
TRIOBP-related disorder. Also called: TRIOBP-related condition.

Allele frequency attached by ClinVar (database versions not stated): 1000 Genomes Project 30x 0.00156; ExAC 0.00001; gnomAD exomes 0.00025.

Submissions (3):

Labcorp Genetics (formerly Invitae), Labcorp
Classification: Uncertain significance. Last evaluated: 2021-09-01. Review status: criteria provided, single submitter. Criteria: Invitae Variant Classification Sherloc (09022015). Collection method: clinical testing. Allele origin: germline.
Comment: Algorithms developed to predict the effect of missense changes on protein structure and function output the following: SIFT: "Deleterious"; PolyPhen-2: "Benign"; Align-GVGD: "Class C0". The asparagine amino acid residue is found in multiple mammalian species, which suggests that this missense change does not adversely affect protein function. This variant has not been reported in the literature in individuals affected with TRIOBP-related conditions. This variant is present in population databases (rs748003804, ExAC 0.009%). This sequence change replaces serine with asparagine at codon 688 of the TRIOBP protein (p.Ser688Asn). The serine residue is weakly conserved and there is a small physicochemical difference between serine and asparagine. In summary, the available evidence is currently insufficient to determine the role of this variant in disease. Therefore, it has been classified as a Variant of Uncertain Significance.

Blueprint Genetics
Classification: Likely benign. Last evaluated: 2020-12-31. Review status: criteria provided, single submitter. Criteria: ACMG Guidelines, 2015. Collection method: clinical testing. Allele origin: germline.

PreventionGenetics, part of Exact Sciences
Classification: Likely benign for TRIOBP-related condition. Last evaluated: 2024-03-11. Review status: no assertion criteria provided. Collection method: clinical testing. Allele origin: germline. Not counted in ClinVar's aggregate classification.
Comment: This variant is classified as likely benign based on ACMG/AMP sequence variant interpretation guidelines (Richards et al. 2015 PMID: 25741868, with internal and published modifications).

NM_001039141.3(TRIOBP):c.2063G>A (p.Ser688Asn)

Gene: TRIOBP (TRIO and F-actin binding protein; plus strand). Cytogenetic location: 22q13.1.
Variant type: single nucleotide variant.
Coding change: c.2063G>A on transcript NM_001039141.3 (MANE Select); coding-DNA position 2063, G replaced by A.
Protein change: p.Ser688Asn; replaces serine 688 with asparagine.
Molecular consequence: missense variant.
Genome position (GRCh38, 1-based): chr22:37,724,619, G>A. VCF-style: chr22-37724619-G-A. GRCh37 (hg19) VCF-style: chr22-38120626-G-A.
Other names: c.2063G>A (NM_001039141.2); short protein forms S688N.
Identifiers: ClinVar variation 1488982 (VCV001488982.7), dbSNP rs748003804, ClinGen allele CA10223778.
Genomic context (GRCh38, chr22:37,724,619, plus strand): 5'-AACAAGAGAACCCCAGAACATCCTGTGCCCTACGGGACAATCCCAGAGCCTCCTCTCCCA[G>A]CAGAACCATCCAACAAGAGAACCCCAGAACATCCTGTGCCCAACGGGACGATCCCAGAGC-3'
Protein context (NP_001034230.1, residues 678-698): LRDNPRASSP[Ser688Asn]RTIQQENPRT